The following is an entry in ClinVar:

NM_017777.4(MKS1):c.1231C>T (p.Arg411Cys)

Gene: MKS1 (MKS transition zone complex subunit 1; minus strand). Cytogenetic location: 17q22.
Variant type: single nucleotide variant.
Coding change: c.1231C>T on transcript NM_017777.4 (MANE Select); coding-DNA position 1231, C replaced by T.
Protein change: p.Arg411Cys; replaces arginine 411 with cysteine.
Molecular consequence: missense variant.
Genome position (GRCh38, 1-based): chr17:58,207,936, G>A on the plus strand (C>T on the coding strand, the complement: MKS1 is on the minus strand). VCF-style: chr17-58207936-G-A. GRCh37 (hg19) VCF-style: chr17-56285297-G-A.
Other names: c.622C>T, p.Arg208Cys (NM_001321268.2); c.1231C>T, p.Arg411Cys (NM_001321269.2, NM_001330397.2, NM_001411113.1); short protein forms R411C, R208C.
Identifiers: ClinVar variation 2058170 (VCV002058170.4), dbSNP rs201036775, ClinGen allele CA292008639.

ClinVar aggregate classification (germline): Uncertain significance. Review status: criteria provided, multiple submitters, no conflicts (2 of 4 stars). 3 submissions from 3 submitters: Uncertain significance (2). 1 of the submissions does not count toward it. Last evaluated 2024-06-19.

Conditions:
MKS1-related disorder. Also called: MKS1-related condition; MKS1-related disorders. Identifiers: MedGen CN239382.
Meckel syndrome, type 1 (MKS1). Also called: MECKEL-GRUBER SYNDROME, TYPE 1. Identifiers: Orphanet 564, MedGen C3714506, MONDO:0009571, OMIM 249000.
Joubert syndrome 28 (JBTS28). Identifiers: MedGen C4310705, MONDO:0014928, OMIM 617121.
Bardet-Biedl syndrome 13 (BBS13). Identifiers: Orphanet 110, MedGen C2673873, MONDO:0014441, OMIM 615990.
Meckel-Gruber syndrome. Also called: Dysencephalia splachnocystica; DYSENCEPHALIA SPLANCHNOCYSTICA; GRUBER SYNDROME. Identifiers: Orphanet 564, MedGen C0265215, MONDO:0018921.
Joubert syndrome. Also called: Familial aplasia of the vermis; JOUBERT-BOLTSHAUSER SYNDROME. Identifiers: Orphanet 475, MedGen C5979921, MONDO:0018772.

Allele frequency attached by ClinVar (database versions not stated): gnomAD exomes 0.00001; TOPMed 0.00003; gnomAD 0.00007; 1000 Genomes Project 0.00020; 1000 Genomes Project 30x 0.00031.
gnomAD v4.1: 29 of 1,614,044 alleles (0.0018%); highest among the groups gnomAD compares: Admixed American, 0.0033%; no homozygotes.

Submissions (3):

Fulgent Genetics
Classification: Uncertain significance for Meckel syndrome, type 1; Bardet-Biedl syndrome 13; Joubert syndrome 28. Last evaluated: 2024-06-19. Review status: criteria provided, single submitter. Criteria: ACMG Guidelines, 2015. Collection method: clinical testing. Allele origin: germline.

Labcorp Genetics (formerly Invitae), Labcorp
Classification: Uncertain significance for Joubert syndrome; Meckel-Gruber syndrome. Last evaluated: 2021-10-11. Review status: criteria provided, single submitter. Criteria: Invitae Variant Classification Sherloc (09022015). Collection method: clinical testing. Allele origin: germline.
Comment: This sequence change replaces arginine with cysteine at codon 411 of the MKS1 protein (p.Arg411Cys). The arginine residue is highly conserved and there is a large physicochemical difference between arginine and cysteine. This variant is not present in population databases (ExAC no frequency). This variant has not been reported in the literature in individuals with MKS1-related conditions. Algorithms developed to predict the effect of missense changes on protein structure and function (SIFT, PolyPhen-2, Align-GVGD) all suggest that this variant is likely to be disruptive, but these predictions have not been confirmed by published functional studies and their clinical significance is uncertain. In summary, the available evidence is currently insufficient to determine the role of this variant in disease. Therefore, it has been classified as a Variant of Uncertain Significance.

PreventionGenetics, part of Exact Sciences
Classification: Uncertain significance for MKS1-related condition. Last evaluated: 2024-01-16. Review status: no assertion criteria provided. Collection method: clinical testing. Allele origin: germline. Not counted in ClinVar's aggregate classification.
Comment: The MKS1 c.1231C>T variant is predicted to result in the amino acid substitution p.Arg411Cys. To our knowledge, this variant has not been reported in the literature. This variant is reported in 0.00078% of alleles in individuals of European (Non-Finnish) descent in gnomAD. At this time, the clinical significance of this variant is uncertain due to the absence of conclusive functional and genetic evidence.